The following is an entry in ClinVar:

ClinVar aggregate classification (germline): Uncertain significance (1 of 4 stars; one submission).

Conditions:
Hereditary cancer-predisposing syndrome. Also called: Neoplastic Syndromes, Hereditary; Tumor predisposition; Hereditary neoplastic syndrome; Hereditary Cancer Syndrome. Identifiers: Orphanet 140162, MedGen C0027672, MeSH D009386, MONDO:0015356.

gnomAD v4.1: 1 of 1,613,888 alleles (0.000062%); highest among the groups gnomAD compares: Admixed American, 0.0017%; no homozygotes.

Submission:

Ambry Genetics
Classification: Uncertain significance for Hereditary cancer-predisposing syndrome. Last evaluated: 2026-07-07. Review status: criteria provided, single submitter. Criteria: Ambry Variant Classification Scheme 2023. Collection method: clinical testing. Allele origin: germline.
Comment: The p.Y552C variant (also known as c.1655A>G), located in coding exon 5 of the AXIN2 gene, results from an A to G substitution at nucleotide position 1655. The tyrosine at codon 552 is replaced by cysteine, an amino acid with highly dissimilar properties. This amino acid position is conserved. In addition, this alteration is predicted to be tolerated by in silico analysis. Based on the available evidence, the clinical significance of this variant remains unclear.

NM_004655.4(AXIN2):c.1655A>G (p.Tyr552Cys)

Gene: AXIN2 (axin 2; minus strand). Cytogenetic location: 17q24.1.
Variant type: single nucleotide variant.
Coding change: c.1655A>G on transcript NM_004655.4 (MANE Select); coding-DNA position 1655, A replaced by G.
Protein change: p.Tyr552Cys; replaces tyrosine 552 with cysteine.
Molecular consequence: missense variant.
Genome position (GRCh38, 1-based): chr17:65,537,381, T>C on the plus strand (A>G on the coding strand, the complement: AXIN2 is on the minus strand). VCF-style: chr17-65537381-T-C. GRCh37 (hg19) VCF-style: chr17-63533499-T-C.
Other names: c.1655A>G, p.Tyr552Cys (NM_001363813.1); short protein forms Y552C.
Identifiers: ClinVar variation 5032506 (VCV005032506.1).